The following is an entry in ClinVar:

NM_000975.5(RPL11):c.60_61del (p.Cys21fs)

Gene: RPL11 (ribosomal protein L11; plus strand). Cytogenetic location: 1p36.11.
Variant type: Microsatellite.
Coding change: c.60_61del on transcript NM_000975.5 (MANE Select); coding-DNA positions 60 to 61, 2 bases deleted (CT; older notation c.60_61delCT).
Protein change: p.Cys21fs; shifts the reading frame from cysteine 21.
Molecular consequence: frameshift variant.
Genome position (GRCh38, 1-based): chr1:23,692,662-23,692,663, CT deleted; deleting any 2 consecutive bases within chr1:23,692,660-23,692,663 gives the same sequence; the c. name uses the placement nearest the transcript's 3' end. VCF-style (leftmost placement, unchanged base first): chr1-23692659-ACT-A. GRCh37 (hg19) VCF-style: chr1-24019149-ACT-A.
Other names: NM_000975.5:c.60_61del; c.60_61delCT (NM_000975.3); c.57_58del, p.Cys20fs (NM_001199802.1); c.60_61del (NM_000975.3); short protein forms C20fs, C21fs.
Identifiers: ClinVar variation 5752 (VCV000005752.15), dbSNP rs1570566590, ClinGen allele CA913185053.

ClinVar aggregate classification (germline): Pathogenic. Review status: criteria provided, multiple submitters, no conflicts (2 of 4 stars). 8 submissions from 8 submitters: Pathogenic (7). 1 of the submissions does not count toward it. Last evaluated 2026-04-23.

Conditions:
RPL11-related disorder. Also called: RPL11-related condition.
Diamond-Blackfan anemia. Also called: Blackfan Diamond syndrome; Aregenerative anemia chronic congenital; Red cell aplasia, pure hereditary; Congenital hypoplastic anemia; Aase syndrome. Identifiers: Orphanet 124, MedGen C1260899, MeSH D029503, MONDO:0015253, HP:0004810.
Diamond-Blackfan anemia 7 (DBA7). Also called: RPL11-Related Diamond-Blackfan Anemia. Identifiers: Orphanet 124, MedGen C2675512, MONDO:0012938, OMIM 612562.

Submissions (8):

GeneDx
Classification: Pathogenic. Last evaluated: 2026-04-23. Review status: criteria provided, single submitter. Criteria: GeneDx Variant Classification Process June 2021. Collection method: clinical testing. Allele origin: germline.
Comment: Frameshift variant predicted to result in protein truncation or nonsense mediated decay in a gene for which loss of function is a known mechanism of disease; Not observed at significant frequency in large population cohorts (gnomAD); This variant is associated with the following publications: (PMID: 28102861, 27882484, 19773262, 37376976, 33718801, 19061985)

Labcorp Genetics (formerly Invitae), Labcorp
Classification: Pathogenic for Diamond-Blackfan anemia. Last evaluated: 2026-01-27. Review status: criteria provided, single submitter. Criteria: Invitae Variant Classification Sherloc (09022015). Collection method: clinical testing. Allele origin: germline.
Comment: This sequence change creates a premature translational stop signal (p.Cys21Serfs*33) in the RPL11 gene. It is expected to result in an absent or disrupted protein product. Loss-of-function variants in RPL11 are known to be pathogenic (PMID: 19061985, 19773262). This variant is not present in population databases (gnomAD no frequency). This premature translational stop signal has been observed in individual(s) with Diamond-Blackfan anemia (PMID: 19061985, 28102861). This variant is also known as c.58_59delCT. ClinVar contains an entry for this variant (Variation ID: 5752). For these reasons, this variant has been classified as Pathogenic.

Victorian Clinical Genetics Services, Murdoch Childrens Research Institute
Classification: Pathogenic for Diamond-Blackfan anemia 7. Last evaluated: 2025-07-15. Review status: criteria provided, single submitter. Criteria: ACMG Guidelines, 2015. Collection method: clinical testing. Allele origin: germline. Affected: yes.
Comment: This variant is classified as Pathogenic. Evidence in support of pathogenic classification: Variant is predicted to cause nonsense-mediated decay (NMD) and loss of protein (premature termination codon is located at least 54 nucleotides upstream of the final exon-exon junction); Variant is absent from gnomAD (v2, v3 and v4); This variant has moderate previous evidence of pathogenicity in unrelated individuals. This variant has been classified as pathogenic by clinical laboratories in ClinVar; Other NMD-predicted variant(s) comparable to the one identified in this case have very strong previous evidence for pathogenicity (DECIPHER). Additional information: This variant is heterozygous; This gene is associated with autosomal dominant disease; Loss of function is a known mechanism of disease in this gene and is associated with Diamond-Blackfan anaemia 7 (MIM#612562); Inheritance information for this variant is not currently available in this individual.

PreventionGenetics, part of Exact Sciences
Classification: Pathogenic for RPL11-related condition. Last evaluated: 2025-02-26. Review status: criteria provided, single submitter. Criteria: ACMG Guidelines, 2015. Collection method: clinical testing. Allele origin: germline.
Comment: The RPL11 c.60_61delCT variant is predicted to result in a frameshift and premature protein termination (p.Cys21Serfs*33). This variant has been reported in individuals with Diamond-Blackfan anemia or bone marrow failure (Gazda et al. 2008. PubMed ID: 19061985; Table S3, Muramatsu et al. 2017. PubMed ID: 28102861; Table S5, Gálvez et al. 2021. PubMed ID: 33718801). This variant has not been reported in a large population database, indicating this variant is rare. Frameshift variants in RPL11 are expected to be pathogenic. This variant is interpreted as pathogenic.

Fulgent Genetics
Classification: Pathogenic for Diamond-Blackfan anemia 7. Last evaluated: 2024-03-13. Review status: criteria provided, single submitter. Criteria: ACMG Guidelines, 2015. Collection method: clinical testing. Allele origin: germline.

Broad Center for Mendelian Genomics, Broad Institute of MIT and Harvard
Classification: Pathogenic for Diamond-Blackfan anemia 7. Last evaluated: 2022-05-04. Review status: criteria provided, single submitter. Criteria: ACMG Guidelines, 2015. Collection method: curation. Allele origin: germline. Inheritance: Autosomal dominant inheritance.
Comment: Trio exome analysis showed this variant to be de novo. The variant has been reported in 5 individuals of Italian and unknown ethnicity with DBA7 (PMID: 19773262, 19061985), but was absent from large population studies. This variant is predicted to cause a frameshift, which alters the protein’s amino acid sequence beginning at position 21 and leads to a premature termination codon 33 amino acids downstream. This alteration is then predicted to lead to a truncated or absent protein. Heterozygous loss of function of the RPL11 gene is a moderately established disease mechanism in DBA7. In summary, this variant meets criteria to be classified as pathogenic for DBA7 in an autosomal dominant manner based on the predicted loss of function impact of the variant and its de novo occurrence. ACMG/AMP Criteria applied: PS2, PVS1_strong, PM2, PS4_supporting (Richards 2015).

Ambry Genetics
Classification: Pathogenic for Diamond-Blackfan anemia. Last evaluated: 2014-09-25. Review status: criteria provided, single submitter. Criteria: Ambry Variant Classification Scheme 2023. Collection method: clinical testing. Allele origin: germline.
Comment: The c.60_61delCT pathogenic mutation, located in coding exon 2 of the RPL11 gene, results from a deletion of two nucleotides between nucleotide positions 60 and 61, causing a translational frameshift with a predicted alternate stop codon (p.C21Sfs*33). This pathogenic mutation was first described in an individual with Diamond-Blackfan anemia with a ventricular septal defect (VSD) and a narrow pulmonary artery who was responsive to steroid therapy; the proband's mother and maternal grandmother also carried the mutation and had triphalangeal thumbs (Gazda HT et al. Am J Hum Genet. 2008;83(6):769-80). Since frameshifts are typically deleterious in nature, this alteration is interpreted as a disease-causing mutation (ACMG Recommendations for Standards for Interpretation and Reporting of Sequence Variations. Revision 2007. Genet Med. 2008;10:294).

OMIM
Classification: Pathogenic for DIAMOND-BLACKFAN ANEMIA 7. Last evaluated: 2008-12-01. Review status: no assertion criteria provided. Collection method: literature only. Allele origin: germline. Not counted in ClinVar's aggregate classification.

Literature cited by the submitters: PubMed 19061985 (cited by 3 submitters); PubMed 19773262 (cited by Labcorp Genetics (formerly Invitae), Labcorp); PubMed 28102861 (cited by Labcorp Genetics (formerly Invitae), Labcorp).